The following is an entry in ClinVar:

NM_017654.4(SAMD9):c.4733T>C (p.Ile1578Thr)

Gene: SAMD9 (sterile alpha motif domain containing 9; minus strand). Cytogenetic location: 7q21.2.
Variant type: single nucleotide variant.
Coding change: c.4733T>C on transcript NM_017654.4 (MANE Select); coding-DNA position 4733, T replaced by C.
Protein change: p.Ile1578Thr; replaces isoleucine 1578 with threonine.
Molecular consequence: missense variant.
Genome position (GRCh38, 1-based): chr7:93,101,365, A>G on the plus strand (T>C on the coding strand, the complement: SAMD9 is on the minus strand). VCF-style: chr7-93101365-A-G. GRCh37 (hg19) VCF-style: chr7-92730678-A-G.
Other names: p.Ile1578Thr; c.4733T>C, p.Ile1578Thr (NM_001193307.2); short protein forms I1578T.
Identifiers: ClinVar variation 769723 (VCV000769723.49), dbSNP rs144380633, ClinGen allele CA4342504.

ClinVar aggregate classification (germline): Benign/Likely benign. Review status: criteria provided, multiple submitters, no conflicts (2 of 4 stars). 11 submissions from 11 submitters: Benign (5); Likely benign (5). 1 of the submissions does not count toward it. Last evaluated 2026-08-01.

Conditions:
SAMD9-related disorder. Also called: SAMD9-related condition.
MIRAGE syndrome. Also called: MYELODYSPLASIA, INFECTION, RESTRICTION OF GROWTH, ADRENAL HYPOPLASIA, GENITAL PHENOTYPES, AND ENTEROPATHY. Identifiers: Orphanet 494433, MedGen C4284088, MONDO:0014888, OMIM 617053.
Normophosphatemic familial tumoral calcinosis. Also called: CALCINOSIS, TUMORAL, WITH NORMOPHOSPHATEMIA. Identifiers: Orphanet 306658, Orphanet 53715, MedGen C1864861, MONDO:0012502, OMIM 610455.
Monosomy 7 myelodysplasia and leukemia syndrome 2. Identifiers: MedGen C5436668, MONDO:0030801, OMIM 619041.

Allele frequency attached by ClinVar (database versions not stated): 1000 Genomes Project 0.00120; 1000 Genomes Project 30x 0.00141; gnomAD exomes 0.00572; gnomAD 0.00599 and 0.00655; ExAC 0.00627; TOPMed 0.00633; ESP Exome Variant Server 0.00815.
gnomAD v4.1: 13,479 of 1,613,408 alleles (0.84%); highest among the groups gnomAD compares: Non-Finnish European, 1%; 70 homozygotes.

Submissions (11):

CeGaT Center for Human Genetics Tuebingen
Classification: Benign. Last evaluated: 2026-08-01. Review status: criteria provided, single submitter. Criteria: CeGaT Center For Human Genetics Tuebingen Variant Classification Criteria Version 2. Collection method: clinical testing. Allele origin: germline. Affected: yes. Observed: 11 variant alleles.
Comment: SAMD9: BP4, BS1, BS2

Labcorp Genetics (formerly Invitae), Labcorp
Classification: Benign. Last evaluated: 2026-02-03. Review status: criteria provided, single submitter. Criteria: Invitae Variant Classification Sherloc (09022015). Collection method: clinical testing. Allele origin: germline.

Mayo Clinic Laboratories, Mayo Clinic
Classification: Likely benign. Last evaluated: 2025-10-17. Review status: criteria provided, single submitter. Criteria: ACMG Guidelines, 2015. Collection method: clinical testing. Allele origin: germline. Observed: 1 variant allele.
Comment: BS1, BP4_moderate

ARUP Laboratories, Molecular Genetics and Genomics, ARUP Laboratories
Classification: Likely benign. Last evaluated: 2025-01-31. Review status: criteria provided, single submitter. Criteria: ARUP Molecular Germline Variant Investigation Process 2024. Collection method: clinical testing. Allele origin: germline.

Blueprint Genetics
Classification: Likely benign. Last evaluated: 2024-11-25. Review status: criteria provided, single submitter. Criteria: ACMG Guidelines, 2015. Collection method: clinical testing. Allele origin: germline.

Department of Pathology and Laboratory Medicine, Sinai Health System
Classification: Likely benign for Normophosphatemic familial tumoral calcinosis; MIRAGE syndrome; Monosomy 7 myelodysplasia and leukemia syndrome 2. Last evaluated: 2021-07-30. Review status: criteria provided, single submitter. Criteria: ACMG Guidelines, 2015. Collection method: research. Allele origin: germline.

GeneDx
Classification: Benign. Last evaluated: 2020-02-19. Review status: criteria provided, single submitter. Criteria: GeneDx Variant Classification Process June 2021. Collection method: clinical testing. Allele origin: germline. Affected: yes.

Genetic Services Laboratory, University of Chicago
Classification: Benign. Last evaluated: 2017-09-20. Review status: criteria provided, single submitter. Criteria: ACMG Guidelines, 2015. Collection method: clinical testing. Allele origin: germline. Affected: no.

Breakthrough Genomics
Classification: Benign. Review status: criteria provided, single submitter. Criteria: ACMG Guidelines, 2015. Collection method: not provided. Allele origin: germline. Inheritance: Autosomal recessive inheritance. Affected: yes.

Center for Genomics, Ann and Robert H. Lurie Children's Hospital of Chicago
Classification: Likely benign for Normophosphatemic familial tumoral calcinosis; Monosomy 7 myelodysplasia and leukemia syndrome 2; MIRAGE syndrome. Review status: criteria provided, single submitter. Criteria: ACMG Guidelines, 2015. Collection method: clinical testing. Allele origin: germline.
Comment: SAMD9 NM_017654.3 exon 3 p.Ile1578Thr (c.4733T>C): This variant has not been reported in the literature but is present in 0.09% (643/67964) of European alleles including 2 homozygotes in the Genome Aggregation Database. This variant is present in ClinVar (Variation ID:769723). This variant amino acid Threonine (Thr) is present in 3 species (Pig, Tasmanian Devil, Opossum) and is not well conserved among evolutionarily distant species; this suggests that this variant may not impact the protein. Additional computational prediction tools do not suggest an impact. In summary, data on this variant suggests that this variant does not cause disease, but requires further evidence. Therefore this variant is classified as likely benign.

PreventionGenetics, part of Exact Sciences
Classification: Benign for SAMD9-related condition. Last evaluated: 2019-03-12. Review status: no assertion criteria provided. Collection method: clinical testing. Allele origin: germline. Not counted in ClinVar's aggregate classification.
Comment: This variant is classified as benign based on ACMG/AMP sequence variant interpretation guidelines (Richards et al. 2015 PMID: 25741868, with internal and published modifications).